The following is an entry in ClinVar:

NM_206933.4(USH2A):c.12986A>G (p.Tyr4329Cys)

Gene: USH2A (usherin; minus strand). Cytogenetic location: 1q41.
Variant type: single nucleotide variant.
Coding change: c.12986A>G on transcript NM_206933.4 (MANE Select); coding-DNA position 12986, A replaced by G.
Protein change: p.Tyr4329Cys; replaces tyrosine 4329 with cysteine.
Molecular consequence: missense variant.
Genome position (GRCh38, 1-based): chr1:215,674,925, T>C on the plus strand (A>G on the coding strand, the complement: USH2A is on the minus strand). VCF-style: chr1-215674925-T-C. GRCh37 (hg19) VCF-style: chr1-215848267-T-C.
Other names: short protein forms Y4329C.
Identifiers: ClinVar variation 1062269 (VCV001062269.7), dbSNP rs371401837, ClinGen allele CA37412805.

ClinVar aggregate classification (germline): Uncertain significance. Review status: criteria provided, single submitter (1 of 4 stars). 2 submissions from 2 submitters: Uncertain significance (1). 1 of the submissions does not count toward it. Last evaluated 2021-08-26.

Conditions:
Usher syndrome type 2A. Also called: RETINAL DISEASE IN USHER SYNDROME TYPE IIA, MODIFIER OF; USHER SYNDROME, TYPE IIA. Identifiers: Orphanet 231178, Orphanet 886, MedGen C1848634, MONDO:0010169, OMIM 276901.

Allele frequency attached by ClinVar (database versions not stated): gnomAD exomes below 0.00001; gnomAD 0.00001; TOPMed 0.00002; ESP Exome Variant Server 0.00008.
gnomAD v4.1: 7 of 1,614,040 alleles (0.00043%); highest among the groups gnomAD compares: Non-Finnish European, 0.00059%; no homozygotes.

Submissions (2):

Labcorp Genetics (formerly Invitae), Labcorp
Classification: Uncertain significance. Last evaluated: 2021-08-26. Review status: criteria provided, single submitter. Criteria: Invitae Variant Classification Sherloc (09022015). Collection method: clinical testing. Allele origin: germline.
Comment: This sequence change replaces tyrosine with cysteine at codon 4329 of the USH2A protein (p.Tyr4329Cys). The tyrosine residue is highly conserved and there is a large physicochemical difference between tyrosine and cysteine. This variant is not present in population databases (ExAC no frequency). This variant has not been reported in the literature in individuals affected with USH2A-related conditions. Algorithms developed to predict the effect of missense changes on protein structure and function (SIFT, PolyPhen-2, Align-GVGD) all suggest that this variant is likely to be disruptive. In summary, the available evidence is currently insufficient to determine the role of this variant in disease. Therefore, it has been classified as a Variant of Uncertain Significance.

Natera, Inc.
Classification: Uncertain significance for Usher syndrome type 2A. Last evaluated: 2020-03-18. Review status: no assertion criteria provided. Collection method: clinical testing. Allele origin: germline. Not counted in ClinVar's aggregate classification.